The following is an entry in ClinVar:

ClinVar aggregate classification (germline): Benign/Likely benign. Review status: criteria provided, multiple submitters, no conflicts (2 of 4 stars). 10 submissions from 7 submitters: Benign (6); Likely benign (3). 1 of the submissions does not count toward it. Last evaluated 2025-08-18.

Conditions:
Fetal akinesia, respiratory insufficiency, microcephaly, polymicrogyria, and dysmorphic facies. Identifiers: MedGen C5562015, MONDO:0859204, OMIM 619602.
Developmental and epileptic encephalopathy 98. Identifiers: MedGen C5562017, MONDO:0030472, OMIM 619605.
Familial hemiplegic migraine. Identifiers: MedGen C0338484, MONDO:0000700.
Inborn genetic diseases. Identifiers: MedGen C0950123, MeSH D030342.
Migraine, familial hemiplegic, 2. Identifiers: Orphanet 569, MedGen C1865322, MONDO:0011232, OMIM 602481.
Alternating hemiplegia of childhood 1 (AHC1). Identifiers: Orphanet 2131, MedGen C3549447, MONDO:0007087, OMIM 104290.
ATP1A2-related disorder. Also called: ATP1A2-related condition; ATP1A2-RELATED DISORDERS.

Allele frequency attached by ClinVar (database versions not stated): gnomAD exomes 0.00004 and 0.00010; ExAC 0.00015; 1000 Genomes Project 0.00020; 1000 Genomes Project 30x 0.00031; gnomAD 0.00044 and 0.00048; TOPMed 0.00046; ESP Exome Variant Server 0.00077.
gnomAD v4.1: 140 of 1,614,190 alleles (0.0087%); highest among the groups gnomAD compares: African/African-American, 0.16%; no homozygotes.

Submissions (10):

Labcorp Genetics (formerly Invitae), Labcorp
Classification: Benign for Familial hemiplegic migraine. Last evaluated: 2025-08-18. Review status: criteria provided, single submitter. Criteria: Invitae Variant Classification Sherloc (09022015). Collection method: clinical testing. Allele origin: germline.

Genome-Nilou Lab
Classification: Benign for Alternating hemiplegia of childhood 1. Last evaluated: 2021-12-05. Review status: criteria provided, single submitter. Criteria: ACMG Guidelines, 2015. Collection method: clinical testing. Allele origin: germline. Affected: no.

Genome-Nilou Lab
Classification: Benign for Developmental and epileptic encephalopathy 98. Last evaluated: 2021-12-05. Review status: criteria provided, single submitter. Criteria: ACMG Guidelines, 2015. Collection method: clinical testing. Allele origin: germline. Affected: no.

Genome-Nilou Lab
Classification: Benign for Fetal akinesia, respiratory insufficiency, microcephaly, polymicrogyria, and dysmorphic facies. Last evaluated: 2021-12-05. Review status: criteria provided, single submitter. Criteria: ACMG Guidelines, 2015. Collection method: clinical testing. Allele origin: germline. Affected: no.

Genome-Nilou Lab
Classification: Benign for Migraine, familial hemiplegic, 2. Last evaluated: 2021-12-05. Review status: criteria provided, single submitter. Criteria: ACMG Guidelines, 2015. Collection method: clinical testing. Allele origin: germline. Affected: no.

Blueprint Genetics
Classification: Likely benign. Last evaluated: 2021-09-06. Review status: criteria provided, single submitter. Criteria: ACMG Guidelines, 2015. Collection method: clinical testing. Allele origin: germline.

Ambry Genetics
Classification: Likely benign for Inborn genetic diseases. Last evaluated: 2017-01-17. Review status: criteria provided, single submitter. Criteria: Ambry Variant Classification Scheme 2023. Collection method: clinical testing. Allele origin: germline.

GeneDx
Classification: Benign. Last evaluated: 2015-07-20. Review status: criteria provided, single submitter. Criteria: GeneDx Variant Classification (06012015). Collection method: clinical testing. Allele origin: germline. Affected: yes.
Comment: This variant is considered likely benign or benign based on one or more of the following criteria: it is a conservative change, it occurs at a poorly conserved position in the protein, it is predicted to be benign by multiple in silico algorithms, and/or has population frequency not consistent with disease.

Breakthrough Genomics
Classification: Likely benign. Review status: criteria provided, single submitter. Criteria: ACMG Guidelines, 2015. Collection method: not provided. Allele origin: germline. Inheritance: Autosomal recessive inheritance. Affected: yes.

PreventionGenetics, part of Exact Sciences
Classification: Likely benign for ATP1A2-related condition. Last evaluated: 2019-07-12. Review status: no assertion criteria provided. Collection method: clinical testing. Allele origin: germline. Not counted in ClinVar's aggregate classification.
Comment: This variant is classified as likely benign based on ACMG/AMP sequence variant interpretation guidelines (Richards et al. 2015 PMID: 25741868, with internal and published modifications).

NM_000702.4(ATP1A2):c.1470C>T (p.Ile490=)

Gene: ATP1A2 (ATPase Na+/K+ transporting subunit alpha 2; plus strand). Cytogenetic location: 1q23.2.
Variant type: single nucleotide variant.
Coding change: c.1470C>T on transcript NM_000702.4 (MANE Select); coding-DNA position 1470, C replaced by T.
Protein change: p.Ile490=; no amino-acid change (isoleucine 490 retained).
Molecular consequence: synonymous variant.
Genome position (GRCh38, 1-based): chr1:160,130,110, C>T. VCF-style: chr1-160130110-C-T. GRCh37 (hg19) VCF-style: chr1-160099900-C-T.
Identifiers: ClinVar variation 377529 (VCV000377529.21), dbSNP rs111405592, ClinGen allele CA1194499.